The following is an entry in ClinVar:

ClinVar aggregate classification (germline): Uncertain significance (1 of 4 stars; one submission).

Submission:

GeneDx
Classification: Uncertain significance. Last evaluated: 2020-01-23. Review status: criteria provided, single submitter. Criteria: GeneDx Variant Classification Process June 2021. Collection method: clinical testing. Allele origin: germline. Affected: yes.
Comment: Not observed in large population cohorts (Lek et al., 2016); In silico analysis, which includes splice predictors and evolutionary conservation, supports a deleterious effect; Has not been previously published as pathogenic or benign to our knowledge

NM_015295.3(SMCHD1):c.977G>A (p.Gly326Glu)

Gene: SMCHD1 (structural maintenance of chromosomes flexible hinge domain containing 1; plus strand). Cytogenetic location: 18p11.32.
Variant type: single nucleotide variant.
Coding change: c.977G>A on transcript NM_015295.3 (MANE Select); coding-DNA position 977, G replaced by A.
Protein change: p.Gly326Glu; replaces glycine 326 with glutamic acid.
Molecular consequence: missense variant.
Genome position (GRCh38, 1-based): chr18:2,694,630, G>A. VCF-style: chr18-2694630-G-A. GRCh37 (hg19) VCF-style: chr18-2694628-G-A.
Other names: short protein forms G326E.
Identifiers: ClinVar variation 1311220 (VCV001311220.2), dbSNP rs2143119041, ClinGen allele CA401694855.